The following is an entry in ClinVar:

ClinVar aggregate classification (germline): Pathogenic/Likely pathogenic. Review status: criteria provided, multiple submitters, no conflicts (2 of 4 stars). 7 submissions from 7 submitters: Pathogenic (2); Likely pathogenic (2). 3 of the submissions do not count toward it. Last evaluated 2024-03-25.

Conditions:
Cardiomyopathy (CMYO). Also called: Cardiomyopathies. Identifiers: Orphanet 167848, MedGen C0878544, MONDO:0004994, HP:0001638. Inheritance: Various modes of inheritance.
Hypertrophic cardiomyopathy. Also called: HYPERTROPHIC MYOCARDIOPATHY. Identifiers: Orphanet 217569, MedGen C0007194, MeSH D002312, MONDO:0005045, HP:0001639.

Submissions (7):

Color Diagnostics, LLC DBA Color Health
Classification: Likely pathogenic for Cardiomyopathy. Last evaluated: 2024-03-25. Review status: criteria provided, single submitter. Criteria: ACMG Guidelines, 2015. Collection method: clinical testing. Allele origin: germline.
Comment: This variant causes a G>A nucleotide substitution at the canonical +1 position of intron 26 of the MYBPC3 gene. Splice site prediction tools suggest that this variant may have a significant impact on RNA splicing. Although this prediction has not been confirmed in published RNA studies, this variant is expected to result in an absent or disrupted protein product. This variant has been reported in at least two individuals affected with hypertrophic cardiomyopathy (PMID: 25040344, 31513939, 33495596, 33495597). It has been shown that this variant segregates with disease in three affected individuals from one family (PMID: 25040344). This variant has not been identified in the general population by the Genome Aggregation Database (gnomAD). Loss of MYBPC3 function is a known mechanism of disease. Based on the available evidence, this variant is classified as Likely Pathogenic.

Labcorp Genetics (formerly Invitae), Labcorp
Classification: Pathogenic for Hypertrophic cardiomyopathy. Last evaluated: 2024-02-26. Review status: criteria provided, single submitter. Criteria: Invitae Variant Classification Sherloc (09022015). Collection method: clinical testing. Allele origin: germline.
Comment: This sequence change affects a donor splice site in intron 26 of the MYBPC3 gene. It is expected to disrupt RNA splicing. Variants that disrupt the donor or acceptor splice site typically lead to a loss of protein function (PMID: 16199547), and loss-of-function variants in MYBPC3 are known to be pathogenic (PMID: 19574547). This variant is not present in population databases (gnomAD no frequency). Disruption of this splice site has been observed in individual(s) with hypertrophic cardiomyopathy (PMID: 25611685, 31513939, 31747981). It has also been observed to segregate with disease in related individuals. ClinVar contains an entry for this variant (Variation ID: 619256). Algorithms developed to predict the effect of sequence changes on RNA splicing suggest that this variant may disrupt the consensus splice site. For these reasons, this variant has been classified as Pathogenic.

All of Us Research Program, National Institutes of Health
Classification: Likely pathogenic for Hypertrophic cardiomyopathy. Last evaluated: 2023-12-15. Review status: criteria provided, single submitter. Criteria: ACMG Guidelines, 2015. Collection method: clinical testing. Allele origin: germline. Inheritance: Autosomal dominant inheritance. Observed: 1 variant allele, 1 heterozygote.
Comment: This variant disrupts a canonical splice site and is predicted to result in abnormal splicing. Aberrant splicing and/or loss of function is an established mechanism of disease. This prediction has not been confirmed by functional studies. This variant has been reported in multiple individuals with hypertrophic cardiomyopathy (PMID: 21959974, 33495596). This variant is absent from or rare in large population databases, including the Genome Aggregation Database.

This study involves interpretation of variants in research participants for the purpose of population health screening. Participant phenotype was not available at the time of variant classification. Additional details can be found in publication PMID: 35346344, PMCID: PMC8962531

Center for Human Genetics, University of Leuven
Classification: Pathogenic for Hypertrophic cardiomyopathy. Last evaluated: 2018-10-31. Review status: criteria provided, single submitter. Criteria: ACMG Guidelines, 2015. Collection method: clinical testing. Allele origin: germline. Affected: yes.

Clinical Genetics DNA and cytogenetics Diagnostics Lab, Erasmus MC, Erasmus Medical Center
Classification: Pathogenic. Review status: no assertion criteria provided. Collection method: clinical testing. Allele origin: germline. Affected: yes. Study: VKGL Data-share Consensus. Not counted in ClinVar's aggregate classification.

Clinical Genetics, Academic Medical Center
Classification: Pathogenic. Review status: no assertion criteria provided. Collection method: clinical testing. Allele origin: germline. Affected: yes. Study: VKGL Data-share Consensus. Not counted in ClinVar's aggregate classification.

Joint Genome Diagnostic Labs from Nijmegen and Maastricht, Radboudumc and MUMC+
Classification: Pathogenic. Review status: no assertion criteria provided. Collection method: clinical testing. Allele origin: germline. Affected: yes. Study: VKGL Data-share Consensus. Not counted in ClinVar's aggregate classification.

Literature cited by the submitters: PubMed 25040344 (cited by Color Diagnostics, LLC DBA Color Health); PubMed 31513939 (cited by Color Diagnostics, LLC DBA Color Health and Labcorp Genetics (formerly Invitae), Labcorp); PubMed 33495596 (cited by Color Diagnostics, LLC DBA Color Health and All of Us Research Program, National Institutes of Health); PubMed 33495597 (cited by Color Diagnostics, LLC DBA Color Health); PubMed 16199547 (cited by Labcorp Genetics (formerly Invitae), Labcorp); PubMed 19574547 (cited by Labcorp Genetics (formerly Invitae), Labcorp); PubMed 25611685 (cited by Labcorp Genetics (formerly Invitae), Labcorp); PubMed 31747981 (cited by Labcorp Genetics (formerly Invitae), Labcorp); PubMed 21959974 (cited by All of Us Research Program, National Institutes of Health).

NM_000256.3(MYBPC3):c.2737+1G>A

Gene: MYBPC3 (myosin binding protein C3; minus strand). Cytogenetic location: 11p11.2.
Variant type: single nucleotide variant.
Coding change: c.2737+1G>A on transcript NM_000256.3 (MANE Select); the canonical splice donor site of the intron after coding-DNA position 2737, G replaced by A.
Molecular consequence: splice donor variant.
Genome position (GRCh38, 1-based): chr11:47,335,876, C>T on the plus strand (G>A on the coding strand, the complement: MYBPC3 is on the minus strand). VCF-style: chr11-47335876-C-T. GRCh37 (hg19) VCF-style: chr11-47357427-C-T.
Identifiers: ClinVar variation 619256 (VCV000619256.18), dbSNP rs727504314, ClinGen allele CA380316970.